The following is an entry in ClinVar:

ClinVar aggregate classification (germline): Likely pathogenic. Review status: criteria provided, single submitter (1 of 4 stars). 2 submissions from 2 submitters: Likely pathogenic (1). 1 of the submissions does not count toward it. Last evaluated 2023-12-05.

Conditions:
Hypomagnesemia 7, renal, with or without dilated cardiomyopathy (HOMG7). Identifiers: MedGen C5774266, MONDO:0859328, OMIM 620152.

Submissions (2):

MVZ Medizinische Genetik Mainz
Classification: Likely pathogenic for Hypomagnesemia 7, renal, with or without dilated cardiomyopathy. Last evaluated: 2023-12-05. Review status: criteria provided, single submitter. Criteria: UK Practice Guidelines For Variant Classification V4 01 2020. Collection method: clinical testing. Allele origin: germline. Inheritance: Autosomal dominant inheritance. Affected: yes. Observed: 1 variant allele.

Molecular Physiology Group, Radboudumc
Classification: Pathogenic for Hypomagnesemia 7, renal, with or without dilated cardiomyopathy. Review status: no assertion criteria provided. Collection method: clinical testing. Allele origin: inherited. Inheritance: Autosomal dominant inheritance. Affected: yes. Not counted in ClinVar's aggregate classification.
Comment: The RRAGD NM_021244.5:c.299T>G variant is a heterozygous missense variant found in two individuals with kidney tubulopathy (internal data). These phenotypes fit other heterozygous missense variants in RRAGD previously reported (PMID 34607910, 37188688, and 38372174) in autosomal dominant kidney hypomagnesemia with RRAGD variants (ADKH-RRAGD, OMIM: 620152) indicating this variant is highly likely to be associated with this disease. The variant is not present in gnomAD. Inheritance pattern of this variant has been confirmed as autosomal dominant.

Literature cited by the submitters: PubMed 34607910 (cited by Molecular Physiology Group, Radboudumc); PubMed 37188688 (cited by Molecular Physiology Group, Radboudumc); PubMed 38372174 (cited by Molecular Physiology Group, Radboudumc).

NM_021244.5(RRAGD):c.299T>G (p.Ile100Arg)

Genes: RRAGD (Ras related GTP binding D; minus strand), LOC129996828 (ATAC-STARR-seq lymphoblastoid active region 24828; plus strand). Cytogenetic location: 6q15.
Variant type: single nucleotide variant.
Coding change: c.299T>G on transcript NM_021244.5 (MANE Select); coding-DNA position 299, T replaced by G.
Protein change: p.Ile100Arg; replaces isoleucine 100 with arginine.
Molecular consequence: missense variant.
Genome position (GRCh38, 1-based): chr6:89,387,440, A>C on the plus strand (T>G on the coding strand, the complement: RRAGD is on the minus strand). VCF-style: chr6-89387440-A-C. GRCh37 (hg19) VCF-style: chr6-90097159-A-C.
Other names: short protein forms I100R.
Identifiers: ClinVar variation 2692333 (VCV002692333.2), dbSNP rs2533173218, ClinGen allele CA364974090.